The following is an entry in ClinVar:

NM_030973.4(MED25):c.1430A>G (p.Asn477Ser)

Gene: MED25 (mediator complex subunit 25; plus strand). Cytogenetic location: 19q13.33.
Variant type: single nucleotide variant.
Coding change: c.1430A>G on transcript NM_030973.4 (MANE Select); coding-DNA position 1430, A replaced by G.
Protein change: p.Asn477Ser; replaces asparagine 477 with serine.
Molecular consequence: missense variant.
Genome position (GRCh38, 1-based): chr19:49,832,363, A>G. VCF-style: chr19-49832363-A-G. GRCh37 (hg19) VCF-style: chr19-50335620-A-G.
Other names: c.1430A>G, p.Asn477Ser (NM_001378355.1); short protein forms N477S.
Identifiers: ClinVar variation 1042322 (VCV001042322.6), dbSNP rs2074064545, ClinGen allele CA406917542.

ClinVar aggregate classification (germline): Uncertain significance (1 of 4 stars; one submission).

Conditions:
Charcot-Marie-Tooth disease type 2. Also called: Charcot-Marie-Tooth type 2. Identifiers: Orphanet 64746, MedGen C0270914, MONDO:0018993.

Submission:

Labcorp Genetics (formerly Invitae), Labcorp
Classification: Uncertain significance for Charcot-Marie-Tooth disease type 2. Last evaluated: 2021-08-31. Review status: criteria provided, single submitter. Criteria: Invitae Variant Classification Sherloc (09022015). Collection method: clinical testing. Allele origin: germline.
Comment: This sequence change replaces asparagine with serine at codon 477 of the MED25 protein (p.Asn477Ser). The asparagine residue is highly conserved and there is a small physicochemical difference between asparagine and serine. This variant is not present in population databases (ExAC no frequency). This variant has not been reported in the literature in individuals affected with MED25-related conditions. Algorithms developed to predict the effect of missense changes on protein structure and function (SIFT, PolyPhen-2, Align-GVGD) all suggest that this variant is likely to be tolerated. Algorithms developed to predict the effect of sequence changes on RNA splicing suggest that this variant may create or strengthen a splice site. In summary, the available evidence is currently insufficient to determine the role of this variant in disease. Therefore, it has been classified as a Variant of Uncertain Significance.